The following is an entry in ClinVar:

NM_000368.5(TSC1):c.121C>A (p.Leu41Ile)

Gene: TSC1 (TSC complex subunit 1; minus strand). Cytogenetic location: 9q34.13.
Variant type: single nucleotide variant.
Coding change: c.121C>A on transcript NM_000368.5 (MANE Select); coding-DNA position 121, C replaced by A.
Protein change: p.Leu41Ile; replaces leucine 41 with isoleucine.
Molecular consequence: missense variant. On other transcripts: intron variant (1).
Genome position (GRCh38, 1-based): chr9:132,927,290, G>T on the plus strand (C>A on the coding strand, the complement: TSC1 is on the minus strand). VCF-style: chr9-132927290-G-T. GRCh37 (hg19) VCF-style: chr9-135802677-G-T.
Other names: c.121C>A, p.Leu41Ile (NM_001162426.2, NM_001162427.2); c.-154+1477C>A (NM_001362177.2); short protein forms L41I.
Identifiers: ClinVar variation 41688 (VCV000041688.25), dbSNP rs118203334, ClinGen allele CA004496.

ClinVar aggregate classification (germline): Conflicting classifications of pathogenicity. Review status: criteria provided, conflicting classifications (1 of 4 stars). 9 submissions from 9 submitters: Uncertain significance (5); Likely benign (2). 2 of the submissions do not count toward it. Last evaluated 2025-12-14.

Conditions:
Lymphangiomyomatosis (LAM). Also called: Lymphangioleiomyomatosis, somatic; Lymphangioleiomyomatosis. Identifiers: Orphanet 538, MedGen C0751674, MONDO:0011705, OMIM 606690.
Tuberous sclerosis 1 (TSC1). Identifiers: Orphanet 805, MedGen C1854465, MONDO:0008612, OMIM 191100.
Isolated focal cortical dysplasia type II (FCORD2). Also called: CORTICAL DYSPLASIA OF TAYLOR; Focal cortical dysplasia type II. Identifiers: Orphanet 268994, MedGen C1846385, MONDO:0011818, OMIM 607341, HP:0032051.
Hereditary cancer-predisposing syndrome. Also called: Tumor predisposition; Neoplastic Syndromes, Hereditary; Hereditary neoplastic syndrome; Hereditary Cancer Syndrome. Identifiers: Orphanet 140162, MedGen C0027672, MeSH D009386, MONDO:0015356.
Tuberous sclerosis syndrome (TSC). Also called: Tuberous Sclerosis Complex; Tuberous sclerosis. Identifiers: Orphanet 805, MedGen C0041341, MONDO:0001734.

Submissions (9):

Labcorp Genetics (formerly Invitae), Labcorp
Classification: Likely benign for Tuberous sclerosis 1. Last evaluated: 2025-12-14. Review status: criteria provided, single submitter. Criteria: Invitae Variant Classification Sherloc (09022015). Collection method: clinical testing. Allele origin: germline.

Ambry Genetics
Classification: Uncertain significance for Hereditary cancer-predisposing syndrome. Last evaluated: 2025-10-18. Review status: criteria provided, single submitter. Criteria: Ambry Variant Classification Scheme 2023. Collection method: clinical testing. Allele origin: germline.

Color Diagnostics, LLC DBA Color Health
Classification: Uncertain significance for Tuberous sclerosis syndrome. Last evaluated: 2025-06-12. Review status: criteria provided, single submitter. Criteria: ACMG Guidelines, 2015. Collection method: clinical testing. Allele origin: germline.
Comment: This missense variant replaces leucine with isoleucine at codon 41 of the TSC1 protein. Computational prediction suggests that this variant may have deleterious impact on protein structure and function. To our knowledge, functional studies have not been reported for this variant. This variant has not been reported in individuals affected with TSC1-related disorders in the literature. This variant has not been identified in the general population by the Genome Aggregation Database (gnomAD). The available evidence is insufficient to determine the role of this variant in disease conclusively. Therefore, this variant is classified as a Variant of Uncertain Significance.

Blueprint Genetics
Classification: Uncertain significance. Last evaluated: 2024-10-03. Review status: criteria provided, single submitter. Criteria: ACMG Guidelines, 2015. Collection method: clinical testing. Allele origin: germline.

Fulgent Genetics
Classification: Uncertain significance for Tuberous sclerosis 1; Lymphangiomyomatosis; Isolated focal cortical dysplasia type II. Last evaluated: 2024-06-17. Review status: criteria provided, single submitter. Criteria: ACMG Guidelines, 2015. Collection method: clinical testing. Allele origin: germline.

All of Us Research Program, National Institutes of Health
Classification: Uncertain significance for Tuberous sclerosis syndrome. Last evaluated: 2024-02-22. Review status: criteria provided, single submitter. Criteria: ACMG Guidelines, 2015. Collection method: clinical testing. Allele origin: germline. Inheritance: Autosomal dominant inheritance. Observed: 5 variant alleles, 5 heterozygotes.
Comment: This missense variant replaces leucine with isoleucine at codon 41 of the TSC1 protein. Computational prediction suggests that this variant may have deleterious impact on protein structure and function (internally defined REVEL score threshold >= 0.7, PMID: 27666373). To our knowledge, functional studies have not been reported for this variant. This variant has not been reported in individuals affected with TSC1-related disorders in the literature. This variant has not been identified in the general population by the Genome Aggregation Database (gnomAD). The available evidence is insufficient to determine the role of this variant in disease conclusively. Therefore, this variant is classified as a Variant of Uncertain Significance.

This study involves interpretation of variants in research participants for the purpose of population health screening. Participant phenotype was not available at the time of variant classification. Additional details can be found in publication PMID: 35346344, PMCID: PMC8962531

Genome-Nilou Lab
Classification: Likely benign for Tuberous sclerosis 1. Last evaluated: 2021-11-07. Review status: criteria provided, single submitter. Criteria: ACMG Guidelines, 2015. Collection method: clinical testing. Allele origin: germline. Affected: no.

Biesecker Lab/Clinical Genomics Section, National Institutes of Health
Classification: Uncertain significance. Last evaluated: 2012-07-13. Review status: no assertion criteria provided. Collection method: research. Allele origin: germline. Affected: no. Observed: 1 variant allele. Study: ClinSeq. Not counted in ClinVar's aggregate classification.
ClinVar note: Converted during submission from variant of unknown significance to Uncertain significance.

Tuberous sclerosis database (TSC1)
No classification provided. Condition: TSC. Review status: no classification provided. Criteria: Tuberous Sclerosis Database Assertion Criteria 2015. Collection method: curation. Allele origin: germline. Affected: yes. Not counted in ClinVar's aggregate classification.